The following is an entry in ClinVar:

ClinVar aggregate classification (germline): Pathogenic/Likely pathogenic. Review status: criteria provided, multiple submitters, no conflicts (2 of 4 stars). 3 submissions from 3 submitters: Pathogenic (1); Likely pathogenic (1). 1 of the submissions does not count toward it. Last evaluated 2025-02-12.

Conditions:
Medium-chain acyl-coenzyme A dehydrogenase deficiency (ACADMD). Also called: MCAD Deficiency; ACADM DEFICIENCY; MCADD; Medium chain acyl-CoA dehydrogenase deficiency; CARNITINE DEFICIENCY SECONDARY TO MEDIUM-CHAIN ACYL-CoA DEHYDROGENASE DEFICIENCY; MCADH DEFICIENCY. Identifiers: Orphanet 42, MedGen C0220710, MONDO:0008721, OMIM 201450.

Submissions (3):

Natera, Inc.
Classification: Likely pathogenic for Medium Chain Acyl-CoA Dehydrogenase Deficiency. Last evaluated: 2025-02-12. Review status: criteria provided, single submitter. Criteria: Natera Variant Classification Schema (03/2026). Collection method: clinical testing. Allele origin: germline.
Comment: The c.926dupT variant in ACADM is a frameshift variant predicted to shift the reading frame beginning at codon 310 and leads to a stop codon 16 codons downstream. This variant is expected to result in nonsense mediated decay, truncation, or a dysfunctional protein product. This variant is rare in the general population with a frequency below the threshold expected for the associated phenotype(s). Given the available evidence, this variant is classified as Likely Pathogenic.

Labcorp Genetics (formerly Invitae), Labcorp
Classification: Pathogenic for Medium-chain acyl-coenzyme A dehydrogenase deficiency. Last evaluated: 2020-08-20. Review status: criteria provided, single submitter. Criteria: Invitae Variant Classification Sherloc (09022015). Collection method: clinical testing. Allele origin: germline.
Comment: This variant is not present in population databases (ExAC no frequency). This sequence change creates a premature translational stop signal (p.Gly310Argfs*16) in the ACADM gene. It is expected to result in an absent or disrupted protein product. This variant has not been reported in the literature in individuals with ACADM-related conditions. ClinVar contains an entry for this variant (Variation ID: 226077). Loss-of-function variants in ACADM are known to be pathogenic (PMID: 16121256, 20434380). For these reasons, this variant has been classified as Pathogenic.

Counsyl
Classification: Likely pathogenic for Medium-chain acyl-coenzyme A dehydrogenase deficiency. Last evaluated: 2016-02-24. Review status: no assertion criteria provided. Collection method: clinical testing. Allele origin: unknown. Not counted in ClinVar's aggregate classification.

Literature cited by the submitters: PubMed 16121256 (cited by Labcorp Genetics (formerly Invitae), Labcorp); PubMed 20434380 (cited by Labcorp Genetics (formerly Invitae), Labcorp).

NM_000016.6(ACADM):c.926dup (p.Gly310fs)

Gene: ACADM (acyl-CoA dehydrogenase medium chain; plus strand). Cytogenetic location: 1p31.1.
Variant type: Duplication.
Coding change: c.926dup on transcript NM_000016.6 (MANE Select); coding-DNA position 926, one base duplicated (T; older notation c.926dupT).
Protein change: p.Gly310fs; shifts the reading frame from glycine 310.
Molecular consequence: frameshift variant.
Genome position (GRCh38, 1-based): chr1:75,750,527, T duplicated; the last of 3 consecutive T bases (chr1:75,750,525-75,750,527); duplicating any one gives the same sequence. VCF-style (leftmost placement, unchanged base first): chr1-75750524-C-CT. GRCh37 (hg19) VCF-style: chr1-76216209-C-CT.
Other names: c.938dup, p.Gly314fs (NM_001127328.3); c.818dup, p.Gly274fs (NM_001286042.2); c.1025dup, p.Gly343fs (NM_001286043.2); c.359dup, p.Gly121fs (NM_001286044.2); c.926dupT (NM_000016.5); short protein forms G121fs, G314fs, G274fs, G310fs, G343fs.
Identifiers: ClinVar variation 226077 (VCV000226077.12), dbSNP rs875989864, ClinGen allele CA10576239.